The following is an entry in ClinVar:

ClinVar aggregate classification (germline): Pathogenic (1 of 4 stars; one submission).

Conditions:
Nemaline myopathy 2 (NEM2). Also called: Nemaline myopathy 2, autosomal recessive. Identifiers: MedGen C1850569, MONDO:0009725, OMIM 256030.

Submission:

Labcorp Genetics (formerly Invitae), Labcorp
Classification: Pathogenic for Nemaline myopathy 2. Last evaluated: 2022-11-23. Review status: criteria provided, single submitter. Criteria: Invitae Variant Classification Sherloc (09022015). Collection method: clinical testing. Allele origin: germline.
Comment: This variant occurs in a region of NEB (Exons 82-105) consisting of three highly homologous 8-exon repeat units (exons 82-89, exons 90-97, exons 98-105). Sequence variants in this region can be detected, but this assay cannot determine which of the three repeat units is affected, and zygosity is often ambiguous. All variants in this region are reported relative to the exon 82-89 repeat. For these reasons, this variant has been classified as Pathogenic. This variant has not been reported in the literature in individuals affected with NEB-related conditions. The frequency data for this variant in the population databases (gnomAD) is considered unreliable due to the presence of homologous sequence, such as pseudogenes or paralogs, in the genome. This sequence change creates a premature translational stop signal (p.Leu4385*) in the NEB gene. It is expected to result in an absent or disrupted protein product. Loss-of-function variants in NEB are known to be pathogenic (PMID: 25205138).

Literature cited by the submitters: PubMed 25205138.

NM_001164508.2(NEB):c.13153_13156del (p.Asn4384_Leu4385insTer)

Gene: NEB (nebulin; minus strand). Cytogenetic location: 2q23.3.
Variant type: Deletion.
Coding change: c.13153_13156del on transcript NM_001164508.2 (MANE Select); coding-DNA positions 13153 to 13156, 4 bases deleted (CTCT; older notation c.13153_13156delCTCT).
Protein change: p.Asn4384_Leu4385insTer.
Molecular consequence: nonsense. On other transcripts: intron variant (1).
Genome position (GRCh38, 1-based): chr2:151,603,676-151,603,679, AGAG deleted on the plus strand (CTCT on the coding strand, the reverse complement: NEB is on the minus strand); deleting any 4 consecutive bases within chr2:151,603,676-151,603,680 gives the same sequence; the c. name uses the placement nearest the transcript's 3' end. VCF-style (leftmost placement, unchanged base first): chr2-151603675-AAGAG-A. GRCh37 (hg19) VCF-style: chr2-152460189-AAGAG-A.
Other names: c.13153_13156del, p.Asn4384_Leu4385insTer (NM_001164507.2, NM_001271208.2); c.11601+6130_11601+6133del (NM_004543.5).
Identifiers: ClinVar variation 2815718 (VCV002815718.3), dbSNP rs2552222699, ClinGen allele CA2739271367.